The following is an entry in ClinVar:

ClinVar aggregate classification (germline): Conflicting classifications of pathogenicity. Review status: criteria provided, conflicting classifications (1 of 4 stars). 6 submissions from 6 submitters: Uncertain significance (5); Likely benign (1). Last evaluated 2026-01-08.

Conditions:
Weill-Marchesani syndrome 2, dominant. Also called: FBN1-Related Weill-Marchesani Syndrome; Weill-Marchesani Syndrome, Autosomal Dominant. Identifiers: Orphanet 2084, MedGen C1869115, MONDO:0012013, OMIM 608328.
Ectopia lentis 1, isolated, autosomal dominant (ECTOL1). Identifiers: Orphanet 1885, MedGen C3541518, MONDO:0007514, OMIM 129600.
Marfan syndrome (MFS). Also called: MARFAN SYNDROME, TYPE I; FBN1-Related Marfan Syndrome; Marfan syndrome type 1; Marfan's syndrome; Marfan syndrome, classic. Identifiers: Orphanet 284963, Orphanet 558, MedGen C0024796, MONDO:0007947, OMIM 154700.
Stiff skin syndrome (SSKS). Identifiers: Orphanet 2833, MedGen C1861456, MONDO:0008492, OMIM 184900.
Acromicric dysplasia (ACMICD). Also called: Acromicric skeletal dysplasia. Identifiers: Orphanet 969, MedGen C0265287, MONDO:0007055, OMIM 102370.
Progeroid and marfanoid aspect-lipodystrophy syndrome. Also called: MARFANOID-PROGEROID SYNDROME; MARFAN-PROGEROID-LIPODYSTROPHY SYNDROME; Marfan lipodystrophy syndrome; MARFANOID-PROGEROID-LIPODYSTROPHY SYNDROME. Identifiers: Orphanet 300382, MedGen C4310796, MONDO:0014831, OMIM 616914.
MASS syndrome (OCTD). Also called: MASS PHENOTYPE; OVERLAP CONNECTIVE TISSUE DISEASE. Identifiers: MedGen C1858556, MONDO:0011431, OMIM 604308.
Geleophysic dysplasia 2 (GPHYSD2). Identifiers: Orphanet 2623, MedGen C3280054, MONDO:0013612, OMIM 614185.
Familial thoracic aortic aneurysm and aortic dissection (TAAD). Also called: Thoracic aortic aneurysms and dissections. Identifiers: Orphanet 91387, MedGen C4707243, MONDO:0019625.

Allele frequency attached by ClinVar (database versions not stated): gnomAD exomes 0.00001 and 0.00004; gnomAD 0.00013 and 0.00016; TOPMed 0.00013; ExAC 0.00005; ESP Exome Variant Server 0.00008.
gnomAD v4.1: 37 of 1,614,104 alleles (0.0023%); highest among the groups gnomAD compares: African/African-American, 0.04%; no homozygotes.

Submissions (6):

Labcorp Genetics (formerly Invitae), Labcorp
Classification: Likely benign for Marfan syndrome; Familial thoracic aortic aneurysm and aortic dissection. Last evaluated: 2026-01-08. Review status: criteria provided, single submitter. Criteria: Invitae Variant Classification Sherloc (09022015). Collection method: clinical testing. Allele origin: germline.

All of Us Research Program, National Institutes of Health
Classification: Uncertain significance for Marfan syndrome. Last evaluated: 2024-08-06. Review status: criteria provided, single submitter. Criteria: ACMG Guidelines, 2015. Collection method: clinical testing. Allele origin: germline. Inheritance: Autosomal dominant inheritance. Observed: 9 variant alleles, 9 heterozygotes.
Comment: Variant of Uncertain Significance due to insufficient evidence: This missense variant is located in the calcium-binding EGF-like motif 47 of the FBN1 protein. Computational prediction tools and conservation analyses are inconclusive regarding the impact of this variant on the protein function. Computational splicing tools suggest that this variant may not impact RNA splicing. To our knowledge, functional assays have not been performed for this variant nor has this variant been reported in individuals affected with cardiovascular disorders in the literature. This variant has been identified in 11/275450 chromosomes in the general population by the Genome Aggregation Database (gnomAD). Available evidence is insufficient to determine the pathogenicity of this variant conclusively.

This study involves interpretation of variants in research participants for the purpose of population health screening. Participant phenotype was not available at the time of variant classification. Additional details can be found in publication PMID: 35346344, PMCID: PMC8962531

Color Diagnostics, LLC DBA Color Health
Classification: Uncertain significance for Familial thoracic aortic aneurysm and aortic dissection. Last evaluated: 2023-04-20. Review status: criteria provided, single submitter. Criteria: ACMG Guidelines, 2015. Collection method: clinical testing. Allele origin: germline.
Comment: This missense variant replaces proline with leucine at codon 2676 of the FBN1 protein. Computational prediction is inconclusive regarding the impact of this variant on protein structure and function (internally defined REVEL score threshold 0.5 < inconclusive < 0.7, PMID: 27666373). To our knowledge, functional studies have not been reported for this variant. This variant has not been reported in individuals affected with FBN1-related disorders in the literature. This variant has been identified in 11/281132 chromosomes in the general population by the Genome Aggregation Database (gnomAD). The available evidence is insufficient to determine the role of this variant in disease conclusively. Therefore, this variant is classified as a Variant of Uncertain Significance.

GeneDx
Classification: Uncertain significance. Last evaluated: 2022-07-26. Review status: criteria provided, single submitter. Criteria: GeneDx Variant Classification Process June 2021. Collection method: clinical testing. Allele origin: germline. Affected: yes.
Comment: Has not been previously published as pathogenic or benign to our knowledge; In silico analysis supports that this missense variant has a deleterious effect on protein structure/function; Although located in a calcium-binding EGF-like domain of the FBN1 gene, it does not affect a cysteine residue within this domain; cysteine substitutions in the calcium-binding EGF-like domains represent the majority of pathogenic missense changes associated with FBN1-related disorders (Collod-Beroud et al., 2003)

Fulgent Genetics
Classification: Uncertain significance for Acromicric dysplasia; Ectopia lentis 1, isolated, autosomal dominant; Marfan syndrome; Stiff skin syndrome; MASS syndrome; Weill-Marchesani syndrome 2, dominant; Geleophysic dysplasia 2; Progeroid and marfanoid aspect-lipodystrophy syndrome. Last evaluated: 2021-10-25. Review status: criteria provided, single submitter. Criteria: ACMG Guidelines, 2015. Collection method: clinical testing. Allele origin: unknown.

Ambry Genetics
Classification: Uncertain significance for Familial thoracic aortic aneurysm and aortic dissection. Last evaluated: 2021-08-30. Review status: criteria provided, single submitter. Criteria: Ambry Variant Classification Scheme 2023. Collection method: clinical testing. Allele origin: germline.
Comment: The p.P2676L variant (also known as c.8027C>T), located in coding exon 63 of the FBN1 gene, results from a C to T substitution at nucleotide position 8027. The proline at codon 2676 is replaced by leucine, an amino acid with similar properties. This amino acid position is well conserved in available vertebrate species. In addition, the in silico prediction for this alteration is inconclusive. Since supporting evidence is limited at this time, the clinical significance of this alteration remains unclear.

NM_000138.5(FBN1):c.8027C>T (p.Pro2676Leu)

Gene: FBN1 (fibrillin 1; minus strand). Cytogenetic location: 15q21.1.
Variant type: single nucleotide variant.
Coding change: c.8027C>T on transcript NM_000138.5 (MANE Select); coding-DNA position 8027, C replaced by T.
Protein change: p.Pro2676Leu; replaces proline 2676 with leucine.
Molecular consequence: missense variant.
Genome position (GRCh38, 1-based): chr15:48,415,560, G>A on the plus strand (C>T on the coding strand, the complement: FBN1 is on the minus strand). VCF-style: chr15-48415560-G-A. GRCh37 (hg19) VCF-style: chr15-48707757-G-A.
Other names: short protein forms P2676L.
Identifiers: ClinVar variation 418202 (VCV000418202.20), dbSNP rs146469379, ClinGen allele CA059470.